The following is an entry in ClinVar:

NC_000023.11:g.(31875374_31929595)_(31929746_31932079)del

Gene: DMD (dystrophin; minus strand). Cytogenetic location: Xp21.1.
Variant type: Deletion.
Identifiers: ClinVar variation 981976 (VCV000981976.2).

ClinVar aggregate classification (germline): Pathogenic (1 of 4 stars; one submission).

Conditions:
Neuromuscular disease caused by qualitative or quantitative defects of dystrophin. Also called: Qualitative or quantitative defects of dystrophin. Identifiers: Orphanet 207085, MedGen C5679787, MONDO:0016147.

Submission:

Women's Health and Genetics/Laboratory Corporation of America, LabCorp
Classification: Pathogenic for Neuromuscular disease caused by qualitative or quantitative defects of dystrophin. Last evaluated: 2025-03-06. Review status: criteria provided, single submitter. Criteria: LabCorp Variant Classification Summary - May 2015. Collection method: clinical testing. Allele origin: germline.
Comment: Variant summary: The variant involves the deletion of exon 47 in the DMD gene. A presumed nomenclature of c.(6762+1_6763-1)_(6912+1_6913-1)del has been designated for the purposes of this classification. This Copy Number Variant (CNV) is predicted to result in an in-frame deletion within this gene. The variant was absent in about 95258 control chromosomes in the gnomAD database (Structural Variants v4.1 dataset). The variant, c.(6762+1_6763-1)_(6912+1_6913-1)del has been reported in the literature in several individuals affected with Duchenne muscular dystrophy (e.g. Hassan_2008). These data indicate that the variant is very likely to be associated with disease. To our knowledge, no experimental evidence demonstrating an impact on protein function has been reported. The following publication have been ascertained in the context of this evaluation (PMID: 18353051). ClinVar contains entries for this variant (Variation IDs: 981976; 3242723). Based on the evidence outlined above, the variant was classified as pathogenic.

Literature cited by the submitters: PubMed 18353051.